The following is an entry in ClinVar:

ClinVar aggregate classification (germline): Uncertain significance. Review status: criteria provided, multiple submitters, no conflicts (2 of 4 stars). 2 submissions from 2 submitters: Uncertain significance (2). Last evaluated 2025-11-12.

Conditions:
Inborn genetic diseases. Identifiers: MedGen C0950123, MeSH D030342.

Allele frequency attached by ClinVar (database versions not stated): gnomAD 0.00009 and 0.00012; TOPMed 0.00010; gnomAD exomes 0.00014 and 0.00008; ESP Exome Variant Server 0.00008; 1000 Genomes Project 0.00040; ExAC 0.00007; 1000 Genomes Project 30x 0.00047.
gnomAD v4.1: 224 of 1,613,502 alleles (0.014%); highest among the groups gnomAD compares: Non-Finnish European, 0.018%; no homozygotes.

Submissions (2):

Ambry Genetics
Classification: Uncertain significance for Inborn genetic diseases. Last evaluated: 2025-11-12. Review status: criteria provided, single submitter. Criteria: Ambry Variant Classification Scheme 2023. Collection method: clinical testing. Allele origin: germline.

Labcorp Genetics (formerly Invitae), Labcorp
Classification: Uncertain significance. Last evaluated: 2022-08-19. Review status: criteria provided, single submitter. Criteria: Invitae Variant Classification Sherloc (09022015). Collection method: clinical testing. Allele origin: germline.
Comment: This sequence change replaces proline, which is neutral and non-polar, with leucine, which is neutral and non-polar, at codon 197 of the TTC37 protein (p.Pro197Leu). This variant is present in population databases (rs199704624, gnomAD 0.01%). This variant has not been reported in the literature in individuals affected with TTC37-related conditions. ClinVar contains an entry for this variant (Variation ID: 1493241). Algorithms developed to predict the effect of missense changes on protein structure and function (SIFT, PolyPhen-2, Align-GVGD) all suggest that this variant is likely to be tolerated. In summary, the available evidence is currently insufficient to determine the role of this variant in disease. Therefore, it has been classified as a Variant of Uncertain Significance.

NM_014639.4(SKIC3):c.590C>T (p.Pro197Leu)

Gene: SKIC3 (SKI3 subunit of superkiller complex; minus strand). Cytogenetic location: 5q15.
Variant type: single nucleotide variant.
Coding change: c.590C>T on transcript NM_014639.4 (MANE Select); coding-DNA position 590, C replaced by T.
Protein change: p.Pro197Leu; replaces proline 197 with leucine.
Molecular consequence: missense variant.
Genome position (GRCh38, 1-based): chr5:95,537,095, G>A on the plus strand (C>T on the coding strand, the complement: SKIC3 is on the minus strand). VCF-style: chr5-95537095-G-A. GRCh37 (hg19) VCF-style: chr5-94872799-G-A.
Other names: c.590C>T (NM_014639.3); short protein forms P197L.
Identifiers: ClinVar variation 1493241 (VCV001493241.7), dbSNP rs199704624, ClinGen allele CA3347575.